The following is an entry in ClinVar:

ClinVar aggregate classification (germline): Uncertain significance (1 of 4 stars; one submission).

Conditions:
Oligodontia-cancer predisposition syndrome. Also called: TOOTH AGENESIS-COLORECTAL CANCER SYNDROME. Identifiers: Orphanet 300576, MedGen C1837750, MONDO:0012075, OMIM 608615. Disease mechanism: loss of function.

Submission:

Labcorp Genetics (formerly Invitae), Labcorp
Classification: Uncertain significance for Oligodontia-cancer predisposition syndrome. Last evaluated: 2021-11-13. Review status: criteria provided, single submitter. Criteria: Invitae Variant Classification Sherloc (09022015). Collection method: clinical testing. Allele origin: germline.
Comment: This sequence change replaces glutamine, which is neutral and polar, with proline, which is neutral and non-polar, at codon 621 of the AXIN2 protein (p.Gln621Pro). Information on the frequency of this variant in the gnomAD database is not available, as this variant may be reported differently in the database. This variant has not been reported in the literature in individuals affected with AXIN2-related conditions. Algorithms developed to predict the effect of missense changes on protein structure and function are either unavailable or do not agree on the potential impact of this missense change (SIFT: "Not Available"; PolyPhen-2: "Benign"; Align-GVGD: "Not Available"). In summary, the available evidence is currently insufficient to determine the role of this variant in disease. Therefore, it has been classified as a Variant of Uncertain Significance.

NM_004655.4(AXIN2):c.1862_1863delinsCC (p.Gln621Pro)

Gene: AXIN2 (axin 2; minus strand). Cytogenetic location: 17q24.1.
Variant type: Indel.
Coding change: c.1862_1863delinsCC on transcript NM_004655.4 (MANE Select); coding-DNA positions 1862 to 1863, AG replaced by CC.
Protein change: p.Gln621Pro; replaces glutamine 621 with proline.
Molecular consequence: missense variant. On other transcripts: intron variant (1).
Genome position (GRCh38, 1-based): chr17:65,536,913-65,536,914, CT replaced by GG on the plus strand (AG replaced by CC on the coding strand, the reverse complement: AXIN2 is on the minus strand). VCF-style: chr17-65536913-CT-GG. GRCh37 (hg19) VCF-style: chr17-63533031-CT-GG.
Other names: c.1713-361_1713-360delinsCC (NM_001363813.1); short protein forms Q621P.
Identifiers: ClinVar variation 1450645 (VCV001450645.6), dbSNP rs2144448918, ClinGen allele CA2573154731.